The following is an entry in ClinVar:

ClinVar aggregate classification (germline): Uncertain significance (1 of 4 stars; one submission).

Conditions:
Cryptosporidiosis-chronic cholangitis-liver disease syndrome. Also called: IL21R immunodeficiency; Immunodeficiency type 56. Identifiers: Orphanet 357329, MedGen C3554687, MONDO:0014082, OMIM 615207.

Submission:

Labcorp Genetics (formerly Invitae), Labcorp
Classification: Uncertain significance for Cryptosporidiosis-chronic cholangitis-liver disease syndrome. Last evaluated: 2019-12-30. Review status: criteria provided, single submitter. Criteria: Invitae Variant Classification Sherloc (09022015). Collection method: clinical testing. Allele origin: germline.
Comment: In summary, the available evidence is currently insufficient to determine the role of this variant in disease. Therefore, it has been classified as a Variant of Uncertain Significance. Algorithms developed to predict the effect of sequence changes on RNA splicing suggest that this variant may create or strengthen a splice site, but this prediction has not been confirmed by published transcriptional studies. Algorithms developed to predict the effect of missense changes on protein structure and function are either unavailable or do not agree on the potential impact of this missense change (SIFT: "Tolerated"; PolyPhen-2: "Possibly Damaging"; Align-GVGD: "Class C0"). This variant has not been reported in the literature in individuals with IL21R-related conditions. This variant is not present in population databases (ExAC no frequency). This sequence change replaces serine with arginine at codon 195 of the IL21R protein (p.Ser195Arg). The serine residue is moderately conserved and there is a moderate physicochemical difference between serine and arginine.

NM_181078.3(IL21R):c.585C>G (p.Ser195Arg)

Gene: IL21R (interleukin 21 receptor; plus strand). Cytogenetic location: 16p12.1.
Variant type: single nucleotide variant.
Coding change: c.585C>G on transcript NM_181078.3 (MANE Select); coding-DNA position 585, C replaced by G.
Protein change: p.Ser195Arg; replaces serine 195 with arginine.
Molecular consequence: missense variant.
Genome position (GRCh38, 1-based): chr16:27,444,619, C>G. VCF-style: chr16-27444619-C-G. GRCh37 (hg19) VCF-style: chr16-27455940-C-G.
Other names: c.585C>G, p.Ser195Arg (NM_021798.4); c.651C>G, p.Ser217Arg (NM_181079.5); short protein forms S195R, S217R.
Identifiers: ClinVar variation 856101 (VCV000856101.10), dbSNP rs773814550, ClinGen allele CA395303645.